The following is an entry in ClinVar:

NM_007118.4(TRIO):c.2537T>A (p.Ile846Asn)

Gene: TRIO (trio Rho guanine nucleotide exchange factor; plus strand). Cytogenetic location: 5p15.2.
Variant type: single nucleotide variant.
Coding change: c.2537T>A on transcript NM_007118.4 (MANE Select); coding-DNA position 2537, T replaced by A.
Protein change: p.Ile846Asn; replaces isoleucine 846 with asparagine.
Molecular consequence: missense variant. On other transcripts: non-coding transcript variant (1).
Genome position (GRCh38, 1-based): chr5:14,363,877, T>A. VCF-style: chr5-14363877-T-A. GRCh37 (hg19) VCF-style: chr5-14363986-T-A.
Other names: short protein forms I846N.
Identifiers: ClinVar variation 3898831 (VCV003898831.1).

ClinVar aggregate classification (germline): Uncertain significance (1 of 4 stars; one submission).

Submission:

GeneDx
Classification: Uncertain significance. Last evaluated: 2024-11-12. Review status: criteria provided, single submitter. Criteria: GeneDx Variant Classification Process June 2021. Collection method: clinical testing. Allele origin: germline. Affected: yes.
Comment: Not observed at significant frequency in large population cohorts (gnomAD); In silico analysis supports that this missense variant has a deleterious effect on protein structure/function; Has not been previously published as pathogenic or benign to our knowledge